The following is an entry in ClinVar:

NM_207122.2(EXT2):c.1032del (p.Ile344fs)

Gene: EXT2 (exostosin glycosyltransferase 2; plus strand). Cytogenetic location: 11p11.2.
Variant type: Deletion.
Coding change: c.1032del on transcript NM_207122.2 (MANE Select); coding-DNA position 1032, one base deleted (T; older notation c.1032delT).
Protein change: p.Ile344fs; shifts the reading frame from isoleucine 344.
Molecular consequence: frameshift variant.
Genome position (GRCh38, 1-based): chr11:44,126,908, T deleted; the last of 2 consecutive T bases (chr11:44,126,907-44,126,908); deleting either gives the same sequence. VCF-style (leftmost placement, unchanged base first): chr11-44126906-AT-A. GRCh37 (hg19) VCF-style: chr11-44148456-AT-A.
Other names: c.1131del, p.Ile377fs (NM_000401.3); c.1032del, p.Ile344fs (NM_001178083.3, NM_001389628.1, NM_001389630.1); short protein forms I344fs, I377fs.
Identifiers: ClinVar variation 666014 (VCV000666014.9), dbSNP rs1590570953, ClinGen allele CA915948126.

ClinVar aggregate classification (germline): Pathogenic (1 of 4 stars; one submission).

Conditions:
Exostoses, multiple, type 2 (EXT2). Also called: Hereditary Multiple Osteochondromatosis, Type II; EXOSTOSES, MULTIPLE, TYPE II. Identifiers: Orphanet 321, MedGen C1851413, MONDO:0007586, OMIM 133701.

Submission:

Labcorp Genetics (formerly Invitae), Labcorp
Classification: Pathogenic for Exostoses, multiple, type 2. Last evaluated: 2023-06-05. Review status: criteria provided, single submitter. Criteria: Invitae Variant Classification Sherloc (09022015). Collection method: clinical testing. Allele origin: germline.
Comment: For these reasons, this variant has been classified as Pathogenic. ClinVar contains an entry for this variant (Variation ID: 666014). This premature translational stop signal has been observed in individual(s) with multiple osteochondromatosis (Invitae). This variant is not present in population databases (gnomAD no frequency). This sequence change creates a premature translational stop signal (p.Ile344Metfs*92) in the EXT2 gene. It is expected to result in an absent or disrupted protein product. Loss-of-function variants in EXT2 are known to be pathogenic (PMID: 10679937, 19810120).

Literature cited by the submitters: PubMed 10679937; PubMed 19810120.